The following is an entry in ClinVar:

NM_006939.4(SOS2):c.3839G>A (p.Ser1280Asn)

Gene: SOS2 (SOS Ras/Rho guanine nucleotide exchange factor 2; minus strand). Cytogenetic location: 14q21.3.
Variant type: single nucleotide variant.
Coding change: c.3839G>A on transcript NM_006939.4 (MANE Select); coding-DNA position 3839, G replaced by A.
Protein change: p.Ser1280Asn; replaces serine 1280 with asparagine.
Molecular consequence: missense variant.
Genome position (GRCh38, 1-based): chr14:50,118,504, C>T on the plus strand (G>A on the coding strand, the complement: SOS2 is on the minus strand). VCF-style: chr14-50118504-C-T. GRCh37 (hg19) VCF-style: chr14-50585222-C-T.
Other names: c.3740G>A, p.Ser1247Asn (NM_001411020.1); short protein forms S1247N, S1280N.
Identifiers: ClinVar variation 3799916 (VCV003799916.1).
Genomic context (GRCh38, chr14:50,118,504, plus strand): 5'-GGGCTTGAATTCTGCCTTGGTGGAACAGGGGGAGCTGGAGGATGAGCAAGATTATTCTGA[C>T]TAGAACTGAGCACATAGCATCGACGCGGTACCCTTGGAGAGGGTGTGCTAGGAGGAGTGC-3'
Protein context (NP_008870.2, residues 1270-1290): VPRRCYVLSS[Ser1280Asn]QNNLAHPPAP

ClinVar aggregate classification (germline): Uncertain significance (1 of 4 stars; one submission).

Conditions:
Cardiovascular phenotype. Identifiers: MedGen CN230736.

gnomAD v4.1: 8 of 1,614,124 alleles (0.0005%); highest among the groups gnomAD compares: East Asian, 0.0089%; no homozygotes.

Submission:

Ambry Genetics
Classification: Uncertain significance for Cardiovascular phenotype. Last evaluated: 2025-01-16. Review status: criteria provided, single submitter. Criteria: Ambry Variant Classification Scheme 2023. Collection method: clinical testing. Allele origin: germline.
Comment: The p.S1280N variant (also known as c.3839G>A), located in coding exon 23 of the SOS2 gene, results from a G to A substitution at nucleotide position 3839. The serine at codon 1280 is replaced by asparagine, an amino acid with highly similar properties. This amino acid position is conserved. In addition, this alteration is predicted to be tolerated by in silico analysis. Based on the available evidence, the clinical significance of this variant remains unclear.